The following is an entry in ClinVar:

ClinVar aggregate classification (germline): Uncertain significance. Review status: criteria provided, multiple submitters, no conflicts (2 of 4 stars). 2 submissions from 2 submitters: Uncertain significance (2). Last evaluated 2025-10-10.

Conditions:
Inborn genetic diseases. Identifiers: MedGen C0950123, MeSH D030342.

Allele frequency attached by ClinVar (database versions not stated): ExAC 0.00001; gnomAD exomes 0.00001.
gnomAD v4.1: 14 of 1,613,824 alleles (0.00087%); highest among the groups gnomAD compares: South Asian, 0.0022%; no homozygotes.

Submissions (2):

Ambry Genetics
Classification: Uncertain significance for Inborn genetic diseases. Last evaluated: 2025-10-10. Review status: criteria provided, single submitter. Criteria: Ambry Variant Classification Scheme 2023. Collection method: clinical testing. Allele origin: germline.
Comment: The p.V337I variant (also known as c.1009G>A), located in coding exon 8 of the SLC12A6 gene, results from a G to A substitution at nucleotide position 1009. The valine at codon 337 is replaced by isoleucine, an amino acid with highly similar properties. This amino acid position is conserved. In addition, this alteration is predicted to be deleterious by in silico analysis. Based on the available evidence, the clinical significance of this variant remains unclear.

Labcorp Genetics (formerly Invitae), Labcorp
Classification: Uncertain significance. Last evaluated: 2023-10-23. Review status: criteria provided, single submitter. Criteria: Invitae Variant Classification Sherloc (09022015). Collection method: clinical testing. Allele origin: germline.
Comment: This sequence change replaces valine, which is neutral and non-polar, with isoleucine, which is neutral and non-polar, at codon 337 of the SLC12A6 protein (p.Val337Ile). This variant is present in population databases (rs749270185, gnomAD 0.004%). This variant has not been reported in the literature in individuals affected with SLC12A6-related conditions. Advanced modeling of protein sequence and biophysical properties (such as structural, functional, and spatial information, amino acid conservation, physicochemical variation, residue mobility, and thermodynamic stability) performed at Invitae indicates that this missense variant is not expected to disrupt SLC12A6 protein function with a negative predictive value of 80%. In summary, the available evidence is currently insufficient to determine the role of this variant in disease. Therefore, it has been classified as a Variant of Uncertain Significance.

NM_001365088.1(SLC12A6):c.1009G>A (p.Val337Ile)

Gene: SLC12A6 (solute carrier family 12 member 6; minus strand). Cytogenetic location: 15q14.
Variant type: single nucleotide variant.
Coding change: c.1009G>A on transcript NM_001365088.1 (MANE Select); coding-DNA position 1009, G replaced by A.
Protein change: p.Val337Ile; replaces valine 337 with isoleucine.
Molecular consequence: missense variant.
Genome position (GRCh38, 1-based): chr15:34,254,457, C>T on the plus strand (G>A on the coding strand, the complement: SLC12A6 is on the minus strand). VCF-style: chr15-34254457-C-T. GRCh37 (hg19) VCF-style: chr15-34546658-C-T.
Other names: c.832G>A, p.Val278Ile (NM_001042494.2, NM_001042495.2); c.982G>A, p.Val328Ile (NM_001042496.2); c.964G>A, p.Val322Ile (NM_001042497.2); c.856G>A, p.Val286Ile (NM_005135.2); c.1009G>A, p.Val337Ile (NM_133647.2); short protein forms V328I, V278I, V322I, V337I, V286I.
Identifiers: ClinVar variation 2805377 (VCV002805377.2), dbSNP rs749270185, ClinGen allele CA7464421.